The following is an entry in ClinVar:

NM_001370298.3(FGD4):c.1972G>A (p.Asp658Asn)

Gene: FGD4 (FYVE, RhoGEF and PH domain containing 4; plus strand). Cytogenetic location: 12p11.21.
Variant type: single nucleotide variant.
Coding change: c.1972G>A on transcript NM_001370298.3 (MANE Select); coding-DNA position 1972, G replaced by A.
Protein change: p.Asp658Asn; replaces aspartic acid 658 with asparagine.
Molecular consequence: missense variant.
Genome position (GRCh38, 1-based): chr12:32,624,994, G>A. VCF-style: chr12-32624994-G-A. GRCh37 (hg19) VCF-style: chr12-32777928-G-A.
Other names: c.1816G>A, p.Asp606Asn (NM_001304481.2); c.817G>A, p.Asp273Asn (NM_001304483.2); c.529G>A, p.Asp177Asn (NM_001304484.2); c.1282G>A, p.Asp428Asn (NM_001330373.2, NM_001330374.2, NM_001384130.1); c.1009G>A, p.Asp337Asn (NM_001370297.1); c.1972G>A, p.Asp658Asn (NM_001384126.1); c.1561G>A, p.Asp521Asn (NM_001384127.1, NM_001384128.1, NM_001385118.1 and 1 more transcripts); short protein forms D273N, D177N, D606N, D658N, D337N, D428N, D521N.
Identifiers: ClinVar variation 1434503 (VCV001434503.8), dbSNP rs774787616, ClinGen allele CA6506957.

ClinVar aggregate classification (germline): Uncertain significance (1 of 4 stars; one submission).

Conditions:
Charcot-Marie-Tooth disease type 4. Also called: Charcot-Marie-Tooth, Type 4; Charcot-Marie-Tooth disease, type IV. Identifiers: Orphanet 64749, MedGen C4082197, MONDO:0018995.

Allele frequency attached by ClinVar (database versions not stated): gnomAD 0.00001.

Submission:

Labcorp Genetics (formerly Invitae), Labcorp
Classification: Uncertain significance for Charcot-Marie-Tooth disease type 4. Last evaluated: 2023-11-27. Review status: criteria provided, single submitter. Criteria: Invitae Variant Classification Sherloc (09022015). Collection method: clinical testing. Allele origin: germline.
Comment: This sequence change replaces aspartic acid, which is acidic and polar, with asparagine, which is neutral and polar, at codon 521 of the FGD4 protein (p.Asp521Asn). This variant is present in population databases (rs774787616, gnomAD 0.0009%). This variant has not been reported in the literature in individuals affected with FGD4-related conditions. ClinVar contains an entry for this variant (Variation ID: 1434503). Advanced modeling of protein sequence and biophysical properties (such as structural, functional, and spatial information, amino acid conservation, physicochemical variation, residue mobility, and thermodynamic stability) performed at Invitae indicates that this missense variant is not expected to disrupt FGD4 protein function with a negative predictive value of 80%. In summary, the available evidence is currently insufficient to determine the role of this variant in disease. Therefore, it has been classified as a Variant of Uncertain Significance.